The following is an entry in ClinVar:

ClinVar aggregate classification (germline): Likely pathogenic. Review status: criteria provided, multiple submitters, no conflicts (2 of 4 stars). 2 submissions from 2 submitters: Likely pathogenic (2). Last evaluated 2025-09-04.

Conditions:
Alport syndrome. Also called: Hemorrhagic familial nephritis; Hemorrhagic hereditary nephritis; Congenital hereditary hematuria. Identifiers: Orphanet 63, MedGen C1567741, MONDO:0018965.
Autosomal recessive Alport syndrome (ATS2). Also called: ALPORT SYNDROME 2, AUTOSOMAL RECESSIVE; COL4A3-Related Nephropathy; COL4A4 Alport Syndrome and Thin Basement Membrane Nephropathy; Alport syndrome type 2. Identifiers: Orphanet 63, Orphanet 88919, MedGen C4746745, MONDO:0008762, OMIM 203780.

gnomAD v4.1: 1 of 1,614,068 alleles (0.000062%); highest among the groups gnomAD compares: African/African-American, 0.0013%; no homozygotes.

Submissions (2):

Natera, Inc.
Classification: Likely pathogenic for Alport syndrome. Last evaluated: 2025-09-04. Review status: criteria provided, single submitter. Criteria: Natera Variant Classification Schema (03/2026). Collection method: clinical testing. Allele origin: germline.
Comment: The c.2375G>A variant in COL4A4 is a missense variant predicted to cause substitution of glycine to glutamic acid at amino acid 792. This variant is rare in the general population with a frequency below the threshold expected for the associated phenotype(s). This variant is located in a functionally critical region of the protein. Computational prediction algorithms indicate this variant is likely to affect gene or protein function. Given the available evidence, this variant is classified as Likely Pathogenic.

MVZ Medizinische Genetik Mainz
Classification: Likely pathogenic for Autosomal recessive Alport syndrome. Last evaluated: 2024-04-03. Review status: criteria provided, single submitter. Criteria: UK Practice Guidelines For Variant Classification V4 01 2020. Collection method: clinical testing. Allele origin: germline. Inheritance: Autosomal dominant inheritance. Affected: yes. Observed: 1 variant allele.
Comment: ACMG Criteria: PM1_STR,PM2_SUP,PM5_SUP,PP3,PP4

NM_000092.5(COL4A4):c.2375G>A (p.Gly792Glu)

Gene: COL4A4 (collagen type IV alpha 4 chain; minus strand). Cytogenetic location: 2q36.3.
Variant type: single nucleotide variant.
Coding change: c.2375G>A on transcript NM_000092.5 (MANE Select); coding-DNA position 2375, G replaced by A.
Protein change: p.Gly792Glu; replaces glycine 792 with glutamic acid.
Molecular consequence: missense variant.
Genome position (GRCh38, 1-based): chr2:227,059,413, C>T on the plus strand (G>A on the coding strand, the complement: COL4A4 is on the minus strand). VCF-style: chr2-227059413-C-T. GRCh37 (hg19) VCF-style: chr2-227924129-C-T.
Other names: short protein forms G792E.
Identifiers: ClinVar variation 3256671 (VCV003256671.2).